The following is an entry in ClinVar:

ClinVar aggregate classification (germline): Uncertain significance. Review status: criteria provided, multiple submitters, no conflicts (2 of 4 stars). 2 submissions from 2 submitters: Uncertain significance (2). Last evaluated 2021-06-01.

Conditions:
Familial thoracic aortic aneurysm and aortic dissection (TAAD). Also called: Thoracic aortic aneurysms and dissections. Identifiers: Orphanet 91387, MedGen C4707243, MONDO:0019625.

Allele frequency attached by ClinVar (database versions not stated): gnomAD exomes below 0.00001 and 0.00001; TOPMed below 0.00001; ExAC 0.00006.

Submissions (2):

GeneDx
Classification: Uncertain significance. Last evaluated: 2021-06-01. Review status: criteria provided, single submitter. Criteria: GeneDx Variant Classification Process June 2021. Collection method: clinical testing. Allele origin: germline. Affected: yes.
Comment: Has not been previously published as pathogenic or benign to our knowledge; Not observed at significant frequency in large population cohorts (Lek et al., 2016); In silico analysis supports that this missense variant has a deleterious effect on protein structure/function; This variant is associated with the following publications: (PMID: 27535533)

Ambry Genetics
Classification: Uncertain significance for Familial thoracic aortic aneurysm and aortic dissection. Last evaluated: 2020-11-06. Review status: criteria provided, single submitter. Criteria: Ambry Variant Classification Scheme 2023. Collection method: clinical testing. Allele origin: germline.
Comment: The p.P1048S variant (also known as c.3142C>T), located in coding exon 19 of the NOTCH1 gene, results from a C to T substitution at nucleotide position 3142. The proline at codon 1048 is replaced by serine, an amino acid with similar properties. This amino acid position is well conserved in available vertebrate species. In addition, the in silico prediction for this alteration is inconclusive. Since supporting evidence is limited at this time, the clinical significance of this alteration remains unclear.

NM_017617.5(NOTCH1):c.3142C>T (p.Pro1048Ser)

Gene: NOTCH1 (notch receptor 1; minus strand). Cytogenetic location: 9q34.3.
Variant type: single nucleotide variant.
Coding change: c.3142C>T on transcript NM_017617.5 (MANE Select); coding-DNA position 3142, C replaced by T.
Protein change: p.Pro1048Ser; replaces proline 1048 with serine.
Molecular consequence: missense variant.
Genome position (GRCh38, 1-based): chr9:136,508,899, G>A on the plus strand (C>T on the coding strand, the complement: NOTCH1 is on the minus strand). VCF-style: chr9-136508899-G-A. GRCh37 (hg19) VCF-style: chr9-139403351-G-A.
Other names: short protein forms P1048S.
Identifiers: ClinVar variation 1327337 (VCV001327337.4), dbSNP rs770521856, ClinGen allele CA5341056.